The following is an entry in ClinVar:

NM_000232.5(SGCB):c.191T>C (p.Leu64Ser)

Gene: SGCB (sarcoglycan beta; minus strand). Cytogenetic location: 4q12.
Variant type: single nucleotide variant.
Coding change: c.191T>C on transcript NM_000232.5 (MANE Select); coding-DNA position 191, T replaced by C.
Protein change: p.Leu64Ser; replaces leucine 64 with serine.
Molecular consequence: missense variant.
Genome position (GRCh38, 1-based): chr4:52,033,483, A>G on the plus strand (T>C on the coding strand, the complement: SGCB is on the minus strand). VCF-style: chr4-52033483-A-G. GRCh37 (hg19) VCF-style: chr4-52899649-A-G.
Other names: p.Leu64Ser; short protein forms L64S.
Identifiers: ClinVar variation 1696108 (VCV001696108.4), dbSNP rs747795143, ClinGen allele CA2918491.

ClinVar aggregate classification (germline): Uncertain significance. Review status: criteria provided, multiple submitters, no conflicts (2 of 4 stars). 3 submissions from 3 submitters: Uncertain significance (3). Last evaluated 2022-07-11.

Conditions:
Autosomal recessive limb-girdle muscular dystrophy type 2E (LGMDR4). Also called: MUSCULAR DYSTROPHY, LIMB-GIRDLE, AUTOSOMAL RECESSIVE 4. Identifiers: Orphanet 119, MedGen C1858593, MONDO:0011423, OMIM 604286. Disease mechanism: Affects gamma-sarcoglycan and also disrupts the integrity of the entire sarcoglycan complex..

Allele frequency attached by ClinVar (database versions not stated): gnomAD 0.00001 and 0.00003; gnomAD exomes 0.00001 and 0.00003; ExAC 0.00002; TOPMed 0.00006.
gnomAD v4.1: 15 of 1,613,744 alleles (0.00093%); highest among the groups gnomAD compares: Admixed American, 0.0067%; no homozygotes.

Submissions (3):

Labcorp Genetics (formerly Invitae), Labcorp
Classification: Uncertain significance for Autosomal recessive limb-girdle muscular dystrophy type 2E. Last evaluated: 2022-07-11. Review status: criteria provided, single submitter. Criteria: Invitae Variant Classification Sherloc (09022015). Collection method: clinical testing. Allele origin: germline.
Comment: This sequence change replaces leucine, which is neutral and non-polar, with serine, which is neutral and polar, at codon 64 of the SGCB protein (p.Leu64Ser). This variant is present in population databases (rs747795143, gnomAD 0.01%). This variant has not been reported in the literature in individuals affected with SGCB-related conditions. Algorithms developed to predict the effect of missense changes on protein structure and function are either unavailable or do not agree on the potential impact of this missense change (SIFT: "Deleterious"; PolyPhen-2: "Possibly Damaging"; Align-GVGD: "Class C15"). In summary, the available evidence is currently insufficient to determine the role of this variant in disease. Therefore, it has been classified as a Variant of Uncertain Significance.

Mayo Clinic Laboratories, Mayo Clinic
Classification: Uncertain significance. Last evaluated: 2022-06-14. Review status: criteria provided, single submitter. Criteria: ACMG Guidelines, 2015. Collection method: clinical testing. Allele origin: germline. Observed: 1 variant allele.
Comment: PM2

Women's Health and Genetics/Laboratory Corporation of America, LabCorp
Classification: Uncertain significance. Last evaluated: 2022-05-03. Review status: criteria provided, single submitter. Criteria: LabCorp Variant Classification Summary - May 2015. Collection method: clinical testing. Allele origin: germline.